The following is an entry in ClinVar:

ClinVar aggregate classification (germline): Likely benign (1 of 4 stars; one submission).

Submission:

CeGaT Center for Human Genetics Tuebingen
Classification: Likely benign. Last evaluated: 2025-07-01. Review status: criteria provided, single submitter. Criteria: CeGaT Center For Human Genetics Tuebingen Variant Classification Criteria Version 2. Collection method: clinical testing. Allele origin: germline. Affected: yes. Observed: 1 variant allele.
Comment: USP9X: PM2:Supporting, BP4, BP7

NM_001039591.3(USP9X):c.171A>T (p.Pro57=)

Gene: USP9X (ubiquitin specific peptidase 9 X-linked; plus strand). Cytogenetic location: Xp11.4.
Variant type: single nucleotide variant.
Coding change: c.171A>T on transcript NM_001039591.3 (MANE Select); coding-DNA position 171, A replaced by T.
Protein change: p.Pro57=; no amino-acid change (proline 57 retained).
Molecular consequence: synonymous variant.
Genome position (GRCh38, 1-based): chrX:41,129,074, A>T. VCF-style: chrX-41129074-A-T. GRCh37 (hg19) VCF-style: chrX-40988327-A-T.
Other names: c.171A>T, p.Pro57= (NM_001039590.3, NM_001410748.1, NM_001410749.1 and 1 more transcripts).
Identifiers: ClinVar variation 4085280 (VCV004085280.8).